The following is an entry in ClinVar:

ClinVar aggregate classification (germline): Uncertain significance. Review status: criteria provided, multiple submitters, no conflicts (2 of 4 stars). 2 submissions from 2 submitters: Uncertain significance (2). Last evaluated 2025-02-04.

Conditions:
Chuvash polycythemia. Also called: POLYCYTHEMIA, VHL-DEPENDENT. Identifiers: Orphanet 238557, MedGen C1837915, MONDO:0009892, OMIM 263400.
Von Hippel-Lindau syndrome (VHLS). Also called: Von Hippel-Lindau; VHL syndrome; von Hippel–Lindau syndrome. Identifiers: Orphanet 892, MedGen C0019562, MONDO:0008667, OMIM 193300. Disease mechanism: loss of function.
Hereditary cancer-predisposing syndrome. Also called: Neoplastic Syndromes, Hereditary; Tumor predisposition; Hereditary neoplastic syndrome; Hereditary Cancer Syndrome. Identifiers: Orphanet 140162, MedGen C0027672, MeSH D009386, MONDO:0015356.

Submissions (2):

Labcorp Genetics (formerly Invitae), Labcorp
Classification: Uncertain significance for Von Hippel-Lindau syndrome; Chuvash polycythemia. Last evaluated: 2025-02-04. Review status: criteria provided, single submitter. Criteria: Invitae Variant Classification Sherloc (09022015). Collection method: clinical testing. Allele origin: germline.
Comment: This sequence change replaces glycine, which is neutral and non-polar, with serine, which is neutral and polar, at codon 34 of the VHL protein (p.Gly34Ser). This variant is not present in population databases (gnomAD no frequency). This variant has not been reported in the literature in individuals affected with VHL-related conditions. ClinVar contains an entry for this variant (Variation ID: 1797334). Invitae Evidence Modeling of protein sequence and biophysical properties (such as structural, functional, and spatial information, amino acid conservation, physicochemical variation, residue mobility, and thermodynamic stability) indicates that this missense variant is not expected to disrupt VHL protein function with a negative predictive value of 95%. In summary, the available evidence is currently insufficient to determine the role of this variant in disease. Therefore, it has been classified as a Variant of Uncertain Significance.

Ambry Genetics
Classification: Uncertain significance for Hereditary cancer-predisposing syndrome. Last evaluated: 2021-01-12. Review status: criteria provided, single submitter. Criteria: Ambry Variant Classification Scheme 2023. Collection method: clinical testing. Allele origin: germline.
Comment: The p.G34S variant (also known as c.100G>A), located in coding exon 1 of the VHL gene, results from a G to A substitution at nucleotide position 100. The glycine at codon 34 is replaced by serine, an amino acid with similar properties. This amino acid position is not well conserved in available vertebrate species. In addition, this alteration is predicted to be tolerated by in silico analysis. Since supporting evidence is limited at this time, the clinical significance of this alteration remains unclear.

NM_000551.4(VHL):c.100G>A (p.Gly34Ser)

Gene: VHL (von Hippel-Lindau tumor suppressor; plus strand). Cytogenetic location: 3p25.3.
Variant type: single nucleotide variant.
Coding change: c.100G>A on transcript NM_000551.4 (MANE Select); coding-DNA position 100, G replaced by A.
Protein change: p.Gly34Ser; replaces glycine 34 with serine.
Molecular consequence: missense variant.
Genome position (GRCh38, 1-based): chr3:10,141,947, G>A. VCF-style: chr3-10141947-G-A. GRCh37 (hg19) VCF-style: chr3-10183631-G-A.
Other names: c.100G>A, p.Gly34Ser (NM_001354723.2, NM_198156.3); short protein forms G34S.
Identifiers: ClinVar variation 1797334 (VCV001797334.4), dbSNP rs2125124697, ClinGen allele CA351747666.
Genomic context (GRCh38, chr3:10,141,947, plus strand): 5'-GGCGCGGAGGAGGCAGGCGTCGAAGAGTACGGCCCTGAAGAAGACGGCGGGGAGGAGTCG[G>A]GCGCCGAGGAGTCCGGCCCGGAAGAGTCCGGCCCGGAGGAACTGGGCGCCGAGGAGGAGA-3'
Protein context (NP_000542.1, residues 24-44): GPEEDGGEES[Gly34Ser]AEESGPEESG